The following is an entry in ClinVar:

ClinVar aggregate classification (germline): Likely benign (1 of 4 stars; one submission).

gnomAD v4.1: 6 of 1,613,588 alleles (0.00037%); highest among the groups gnomAD compares: Admixed American, 0.0017%; no homozygotes.

Submission:

CeGaT Center for Human Genetics Tuebingen
Classification: Likely benign. Last evaluated: 2025-12-01. Review status: criteria provided, single submitter. Criteria: CeGaT Center For Human Genetics Tuebingen Variant Classification Criteria Version 2. Collection method: clinical testing. Allele origin: germline. Affected: yes. Observed: 1 variant allele.
Comment: TRIO: BP4, BP7

NM_007118.4(TRIO):c.4839C>T (p.Ala1613=)

Gene: TRIO (trio Rho guanine nucleotide exchange factor; plus strand). Cytogenetic location: 5p15.2.
Variant type: single nucleotide variant.
Coding change: c.4839C>T on transcript NM_007118.4 (MANE Select); coding-DNA position 4839, C replaced by T.
Protein change: p.Ala1613=; no amino-acid change (alanine 1613 retained).
Molecular consequence: synonymous variant. On other transcripts: non-coding transcript variant (1).
Genome position (GRCh38, 1-based): chr5:14,405,970, C>T. VCF-style: chr5-14405970-C-T. GRCh37 (hg19) VCF-style: chr5-14406079-C-T.
Identifiers: ClinVar variation 4681877 (VCV004681877.5).